The following is an entry in ClinVar:

NM_013254.4(TBK1):c.519G>A (p.Leu173=)

Gene: TBK1 (TANK binding kinase 1; plus strand). Cytogenetic location: 12q14.2.
Variant type: single nucleotide variant.
Coding change: c.519G>A on transcript NM_013254.4 (MANE Select); coding-DNA position 519, G replaced by A.
Protein change: p.Leu173=; no amino-acid change (leucine 173 retained).
Molecular consequence: synonymous variant.
Genome position (GRCh38, 1-based): chr12:64,467,061, G>A. VCF-style: chr12-64467061-G-A. GRCh37 (hg19) VCF-style: chr12-64860841-G-A.
Other names: p.Leu173=; c.519G>A, p.Leu173= (LRG_1306t1).
Identifiers: ClinVar variation 475940 (VCV000475940.43), dbSNP rs73313869, ClinGen allele CA6668826.

ClinVar aggregate classification (germline): Benign/Likely benign. Review status: criteria provided, multiple submitters, no conflicts (2 of 4 stars). 7 submissions from 7 submitters: Benign (3); Likely benign (3). 1 of the submissions does not count toward it. Last evaluated 2025-12-14.

Conditions:
Frontotemporal dementia and/or amyotrophic lateral sclerosis 4. Also called: FTDALS4. Identifiers: Orphanet 275872, MedGen C4225325, MONDO:0014641, OMIM 616439.
TBK1-related disorder. Also called: TBK1-related condition.

Allele frequency attached by ClinVar (database versions not stated): gnomAD exomes 0.00073; ExAC 0.00089; 1000 Genomes Project 0.00180; 1000 Genomes Project 30x 0.00187; TOPMed 0.00292; gnomAD 0.00315; ESP Exome Variant Server 0.00477.
gnomAD v4.1: 760 of 1,605,044 alleles (0.047%); highest among the groups gnomAD compares: African/African-American, 0.89%; 1 homozygote.

Submissions (7):

Labcorp Genetics (formerly Invitae), Labcorp
Classification: Benign for Frontotemporal dementia and/or amyotrophic lateral sclerosis 4. Last evaluated: 2025-12-14. Review status: criteria provided, single submitter. Criteria: Invitae Variant Classification Sherloc (09022015). Collection method: clinical testing. Allele origin: germline.

Mayo Clinic Laboratories, Mayo Clinic
Classification: Benign. Last evaluated: 2025-02-04. Review status: criteria provided, single submitter. Criteria: ACMG Guidelines, 2015. Collection method: clinical testing. Allele origin: germline. Observed: 1 variant allele.
Comment: BA1, BP4, BP7

Blueprint Genetics
Classification: Likely benign. Last evaluated: 2024-07-19. Review status: criteria provided, single submitter. Criteria: ACMG Guidelines, 2015. Collection method: clinical testing. Allele origin: germline.

CeGaT Center for Human Genetics Tuebingen
Classification: Benign. Last evaluated: 2022-07-01. Review status: criteria provided, single submitter. Criteria: CeGaT Center For Human Genetics Tuebingen Variant Classification Criteria Version 2. Collection method: clinical testing. Allele origin: germline. Affected: yes. Observed: 1 variant allele.
Comment: TBK1: BS1, BS2

GeneDx
Classification: Likely benign. Last evaluated: 2018-11-27. Review status: criteria provided, single submitter. Criteria: GeneDx Variant Classification Process June 2021. Collection method: clinical testing. Allele origin: germline. Affected: yes.

Breakthrough Genomics
Classification: Likely benign. Review status: criteria provided, single submitter. Criteria: ACMG Guidelines, 2015. Collection method: not provided. Allele origin: germline. Inheritance: Autosomal dominant inheritance. Affected: yes.

PreventionGenetics, part of Exact Sciences
Classification: Benign for TBK1-related condition. Last evaluated: 2019-05-23. Review status: no assertion criteria provided. Collection method: clinical testing. Allele origin: germline. Not counted in ClinVar's aggregate classification.
Comment: This variant is classified as benign based on ACMG/AMP sequence variant interpretation guidelines (Richards et al. 2015 PMID: 25741868, with internal and published modifications).